The following is an entry in ClinVar:

NM_001160372.4(TRAPPC9):c.2557-13T>A

Gene: TRAPPC9 (trafficking protein particle complex subunit 9; minus strand). Cytogenetic location: 8q24.3.
Variant type: single nucleotide variant.
Coding change: c.2557-13T>A on transcript NM_001160372.4 (MANE Select); 13 bases into the intron before coding-DNA position 2557, T replaced by A.
Molecular consequence: intron variant.
Genome position (GRCh38, 1-based): chr8:140,024,092, A>T on the plus strand (T>A on the coding strand, the complement: TRAPPC9 is on the minus strand). VCF-style: chr8-140024092-A-T. GRCh37 (hg19) VCF-style: chr8-141034189-A-T.
Other names: p.?; c.2557-13T>A (NM_031466.8, NM_001374683.1); c.2530-13T>A (NM_001321646.2); c.2413-13T>A (NM_001374684.1); c.2578-13T>A (NM_001374682.1); c.2851-13T>A (NM_031466.7).
Identifiers: ClinVar variation 362074 (VCV000362074.30), dbSNP rs9792174, ClinGen allele CA4893035.

ClinVar aggregate classification (germline): Benign. Review status: criteria provided, multiple submitters, no conflicts (2 of 4 stars). 9 submissions from 9 submitters: Benign (7). 2 of the submissions do not count toward it. Last evaluated 2026-02-04.

Conditions:
Intellectual developmental disorder, autosomal recessive 13. Also called: Intellectual disability, autosomal recessive 13. Identifiers: Orphanet 88616, MedGen C2750791, MONDO:0013173, OMIM 613192.

Allele frequency attached by ClinVar (database versions not stated): TOPMed 0.57122; ESP Exome Variant Server 0.57158; ExAC 0.63085; gnomAD exomes 0.65384 and 0.60953; gnomAD 0.57297 and 0.57247; 1000 Genomes Project 0.53834.
gnomAD v4.1: 953,631 of 1,476,902 alleles (65%); highest among the groups gnomAD compares: Middle Eastern, 73%; 286,686 homozygotes.

Submissions (12):

Labcorp Genetics (formerly Invitae), Labcorp
Classification: Benign. Last evaluated: 2026-02-04. Review status: criteria provided, single submitter. Criteria: Invitae Variant Classification Sherloc (09022015). Collection method: clinical testing. Allele origin: germline.

Blueprint Genetics
Classification: Benign. Last evaluated: 2024-11-27. Review status: criteria provided, single submitter. Criteria: ACMG Guidelines, 2015. Collection method: clinical testing. Allele origin: germline.

Mayo Clinic Laboratories, Mayo Clinic
Classification: Benign. Last evaluated: 2022-04-14. Review status: criteria provided, single submitter. Criteria: ACMG Guidelines, 2015. Collection method: clinical testing. Allele origin: germline. Observed: 23 variant alleles.

Genome-Nilou Lab
Classification: Benign for Intellectual developmental disorder, autosomal recessive 13. Last evaluated: 2021-09-10. Review status: criteria provided, single submitter. Criteria: ACMG Guidelines, 2015. Collection method: clinical testing. Allele origin: germline. Affected: no.

GeneDx
Classification: Benign. Last evaluated: 2018-07-20. Review status: criteria provided, single submitter. Criteria: GeneDx Variant Classification Process June 2021. Collection method: clinical testing. Allele origin: germline. Affected: yes.

Illumina Laboratory Services, Illumina
Classification: Benign for Intellectual developmental disorder, autosomal recessive 13. Last evaluated: 2018-01-13. Review status: criteria provided, single submitter. Criteria: ICSL Variant Classification Criteria 13 December 2019. Collection method: clinical testing. Allele origin: germline.
Comment: This variant was observed in the ICSL laboratory as part of a predisposition screen in an ostensibly healthy population. It had not been previously curated by ICSL or reported in the Human Gene Mutation Database (HGMD: prior to June 1st, 2018), and was therefore a candidate for classification through an automated scoring system. Utilizing variant allele frequency, disease prevalence and penetrance estimates, and inheritance mode, an automated score was calculated to assess if this variant is too frequent to cause the disease. Based on the score and internal cut-off values, a variant classified as benign is not then subjected to further curation. The score for this variant resulted in a classification of benign for this disease.

Breakthrough Genomics
Classification: Benign. Review status: criteria provided, single submitter. Criteria: ACMG Guidelines, 2015. Collection method: not provided. Allele origin: germline. Inheritance: Autosomal recessive inheritance. Affected: yes.

Diagnostic Laboratory, Department of Genetics, University Medical Center Groningen
Classification: Benign. Review status: no assertion criteria provided. Collection method: clinical testing. Allele origin: germline. Affected: yes. Study: VKGL Data-share Consensus. Not counted in ClinVar's aggregate classification.

Dr. Peter K. Rogan Lab, Western University
No classification provided (evidence only). Condition: Familial cancer of breast. Review status: no classification provided. Collection method: in vitro. Allele origin: not applicable. Functional consequence: retained intron. Not counted in ClinVar's aggregate classification.

Dr. Peter K. Rogan Lab, Western University
No classification provided (evidence only). Condition: Familial cancer of breast. Review status: no classification provided. Collection method: in vitro. Allele origin: not applicable. Functional consequence: retained intron. Not counted in ClinVar's aggregate classification.

Dr. Peter K. Rogan Lab, Western University
No classification provided (evidence only). Condition: Familial cancer of breast. Review status: no classification provided. Collection method: in vitro. Allele origin: not applicable. Functional consequence: retained intron. Not counted in ClinVar's aggregate classification.

Joint Genome Diagnostic Labs from Nijmegen and Maastricht, Radboudumc and MUMC+
Classification: Benign. Review status: no assertion criteria provided. Collection method: clinical testing. Allele origin: germline. Affected: yes. Study: VKGL Data-share Consensus. Not counted in ClinVar's aggregate classification.